The following is an entry in ClinVar:

NM_018489.3(ASH1L):c.8683dup (p.Thr2895fs)

Gene: ASH1L (ASH1 like histone lysine methyltransferase; minus strand). Cytogenetic location: 1q22.
Variant type: Duplication.
Coding change: c.8683dup on transcript NM_018489.3 (MANE Select); coding-DNA position 8683, one base duplicated (A; older notation c.8683dupA).
Protein change: p.Thr2895fs; shifts the reading frame from threonine 2895.
Molecular consequence: frameshift variant.
Genome position (GRCh38, 1-based): chr1:155,338,209, T duplicated on the plus strand (A on the coding strand, the reverse complement: ASH1L is on the minus strand); the first of 9 consecutive T bases (chr1:155,338,209-155,338,217); duplicating any one gives the same sequence. VCF-style (leftmost placement, unchanged base first): chr1-155338208-G-GT. GRCh37 (hg19) VCF-style: chr1-155307999-G-GT.
Other names: c.8698dup, p.Thr2900fs (NM_001366177.2); short protein forms T2895fs, T2900fs.
Identifiers: ClinVar variation 3253540 (VCV003253540.2), dbSNP rs761154268.

ClinVar aggregate classification (germline): Uncertain significance (1 of 4 stars; one submission).

Submission:

GeneDx
Classification: Uncertain significance. Last evaluated: 2026-09-14. Review status: criteria provided, single submitter. Criteria: GeneDx Variant Classification Process June 2021. Collection method: clinical testing. Allele origin: germline.
Comment: Identified in two unrelated individuals with a neurodevelopmental disorder, but segregation and detailed clinical information was not provided (PMID: 33004838); Frameshift variant predicted to result in protein truncation or nonsense mediated decay in a gene for which loss of function is a known mechanism of disease; This variant is associated with the following publications: (PMID: 33004838, 36475376)